The following is an entry in ClinVar:

ClinVar aggregate classification (germline): Uncertain significance. Review status: criteria provided, multiple submitters, no conflicts (2 of 4 stars). 2 submissions from 2 submitters: Uncertain significance (2). Last evaluated 2025-11-05.

Conditions:
Inborn genetic diseases. Identifiers: MedGen C0950123, MeSH D030342.

Allele frequency attached by ClinVar (database versions not stated): gnomAD 0.00008; 1000 Genomes Project 0.00020; 1000 Genomes Project 30x 0.00031; ExAC 0.00004; gnomAD exomes 0.00001; TOPMed 0.00006.
gnomAD v4.1: 21 of 1,612,766 alleles (0.0013%); highest among the groups gnomAD compares: African/African-American, 0.025%; no homozygotes.

Submissions (2):

Ambry Genetics
Classification: Uncertain significance for Inborn genetic diseases. Last evaluated: 2025-11-05. Review status: criteria provided, single submitter. Criteria: Ambry Variant Classification Scheme 2023. Collection method: clinical testing. Allele origin: germline.

Labcorp Genetics (formerly Invitae), Labcorp
Classification: Uncertain significance. Last evaluated: 2022-10-04. Review status: criteria provided, single submitter. Criteria: Invitae Variant Classification Sherloc (09022015). Collection method: clinical testing. Allele origin: germline.
Comment: This sequence change replaces histidine, which is basic and polar, with glutamine, which is neutral and polar, at codon 89 of the FAM161A protein (p.His89Gln). This variant is present in population databases (rs150049210, gnomAD 0.04%). This variant has not been reported in the literature in individuals affected with FAM161A-related conditions. ClinVar contains an entry for this variant (Variation ID: 1407535). Advanced modeling of protein sequence and biophysical properties (such as structural, functional, and spatial information, amino acid conservation, physicochemical variation, residue mobility, and thermodynamic stability) performed at Invitae indicates that this missense variant is not expected to disrupt FAM161A protein function. Algorithms developed to predict the effect of sequence changes on RNA splicing suggest that this variant may create or strengthen a splice site. In summary, the available evidence is currently insufficient to determine the role of this variant in disease. Therefore, it has been classified as a Variant of Uncertain Significance.

NM_001201543.2(FAM161A):c.267C>G (p.His89Gln)

Gene: FAM161A (FAM161 centrosomal protein A; minus strand). Cytogenetic location: 2p15.
Variant type: single nucleotide variant.
Coding change: c.267C>G on transcript NM_001201543.2 (MANE Select); coding-DNA position 267, C replaced by G.
Protein change: p.His89Gln; replaces histidine 89 with glutamine.
Molecular consequence: missense variant. On other transcripts: non-coding transcript variant (1).
Genome position (GRCh38, 1-based): chr2:61,842,277, G>C on the plus strand (C>G on the coding strand, the complement: FAM161A is on the minus strand). VCF-style: chr2-61842277-G-C. GRCh37 (hg19) VCF-style: chr2-62069412-G-C.
Other names: c.267C>G (NM_001201543.1); c.267C>G, p.His89Gln (NM_032180.3); short protein forms H89Q.
Identifiers: ClinVar variation 1407535 (VCV001407535.4), dbSNP rs150049210, ClinGen allele CA1679394.
Genomic context (GRCh38, chr2:61,842,277, plus strand): 5'-AGTTTCTATGTGGGCAGCCTTCAACTCTTCTACTTTCTTGAAATACTCCTCATTAGAGTG[G>C]TGAATATCAGGAAAGTTCACAAAGTCCTCATAGCTTATCGGTGCATGTTCATCCACCCCA-3'
Protein context (NP_001188472.1, residues 79-99): YEDFVNFPDI[His89Gln]HSNEEYFKKV